The following is an entry in ClinVar:

ClinVar aggregate classification (germline): Uncertain significance (1 of 4 stars; one submission).

Allele frequency attached by ClinVar (database versions not stated): TOPMed 0.00001; ExAC 0.00005.
gnomAD v4.1: 22 of 1,550,330 alleles (0.0014%); highest among the groups gnomAD compares: South Asian, 0.019%; no homozygotes.

Submission:

GeneDx
Classification: Uncertain significance. Last evaluated: 2019-07-10. Review status: criteria provided, single submitter. Criteria: GeneDx Variant Classification Process June 2021. Collection method: clinical testing. Allele origin: germline. Affected: yes.
Comment: Has not been previously published as pathogenic or benign to our knowledge; Not observed at a significant frequency in large population cohorts (Lek et al., 2016); In silico analysis, which includes protein predictors and evolutionary conservation, supports that this variant does not alter protein structure/function

NM_001367624.2(ZNF469):c.5363G>A (p.Arg1788Gln)

Gene: ZNF469 (zinc finger protein 469; plus strand). Cytogenetic location: 16q24.2.
Variant type: single nucleotide variant.
Coding change: c.5363G>A on transcript NM_001367624.2 (MANE Select); coding-DNA position 5363, G replaced by A.
Protein change: p.Arg1788Gln; replaces arginine 1788 with glutamine.
Molecular consequence: missense variant.
Genome position (GRCh38, 1-based): chr16:88,432,833, G>A. VCF-style: chr16-88432833-G-A. GRCh37 (hg19) VCF-style: chr16-88499241-G-A.
Other names: NM_001127464.1:c.5279G>A; short protein forms R1788Q.
Identifiers: ClinVar variation 1304763 (VCV001304763.2), dbSNP rs763345014, ClinGen allele CA8225074.
Genomic context (GRCh38, chr16:88,432,833, plus strand): 5'-TTCCCTGTGAACAGAGAGGAGGGTTCCTCCCAGAGCCCGGCACAGCAGACCAGCCCCACC[G>A]AGGGGCCCCTGCTCCAGAAGCTTTTGGCAGCCCTGCTGTCCATCTGGCCCCTGACTTGGC-3'
Protein context (NP_001354553.1, residues 1778-1798): PEPGTADQPH[Arg1788Gln]GAPAPEAFGS